The following is an entry in ClinVar:

NM_015559.3(SETBP1):c.3091A>G (p.Lys1031Glu)

Gene: SETBP1 (SET binding protein 1; plus strand). Cytogenetic location: 18q12.3.
Variant type: single nucleotide variant.
Coding change: c.3091A>G on transcript NM_015559.3 (MANE Select); coding-DNA position 3091, A replaced by G.
Protein change: p.Lys1031Glu; replaces lysine 1031 with glutamic acid.
Molecular consequence: missense variant.
Genome position (GRCh38, 1-based): chr18:44,952,431, A>G. VCF-style: chr18-44952431-A-G. GRCh37 (hg19) VCF-style: chr18-42532396-A-G.
Other names: c.3091A>G, p.Lys1031Glu (NM_001379141.1, NM_001379142.1, NM_001410862.1); short protein forms K1031E.
Identifiers: ClinVar variation 2571692 (VCV002571692.1), dbSNP rs2511474545, ClinGen allele CA402323412.

ClinVar aggregate classification (germline): Uncertain significance (1 of 4 stars; one submission).

Allele frequency attached by ClinVar (database versions not stated): gnomAD exomes below 0.00001.
gnomAD v4.1: 1 of 1,614,114 alleles (0.000062%); highest among the groups gnomAD compares: Non-Finnish European, 0.000085%; no homozygotes.

Submission:

GeneDx
Classification: Uncertain significance. Last evaluated: 2023-01-04. Review status: criteria provided, single submitter. Criteria: GeneDx Variant Classification Process June 2021. Collection method: clinical testing. Allele origin: germline. Affected: yes.
Comment: Not observed at significant frequency in large population cohorts (gnomAD); In silico analysis supports that this missense variant does not alter protein structure/function; Has not been previously published as pathogenic or benign to our knowledge